The following is an entry in ClinVar:

NM_003803.4(MYOM1):c.4933G>A (p.Gly1645Arg)

Gene: MYOM1 (myomesin 1; minus strand). Cytogenetic location: 18p11.31.
Variant type: single nucleotide variant.
Coding change: c.4933G>A on transcript NM_003803.4 (MANE Select); coding-DNA position 4933, G replaced by A.
Protein change: p.Gly1645Arg; replaces glycine 1645 with arginine.
Molecular consequence: missense variant.
Genome position (GRCh38, 1-based): chr18:3,067,387, C>T on the plus strand (G>A on the coding strand, the complement: MYOM1 is on the minus strand). VCF-style: chr18-3067387-C-T. GRCh37 (hg19) VCF-style: chr18-3067385-C-T.
Other names: c.4645G>A, p.Gly1549Arg (NM_019856.2); short protein forms G1645R, G1549R.
Identifiers: ClinVar variation 845652 (VCV000845652.11), dbSNP rs765682686, ClinGen allele CA8873718.

ClinVar aggregate classification (germline): Uncertain significance. Review status: criteria provided, multiple submitters, no conflicts (2 of 4 stars). 2 submissions from 2 submitters: Uncertain significance (2). Last evaluated 2023-03-18.

Conditions:
Hypertrophic cardiomyopathy. Also called: HYPERTROPHIC MYOCARDIOPATHY. Identifiers: Orphanet 217569, MedGen C0007194, MeSH D002312, MONDO:0005045, HP:0001639.

Allele frequency attached by ClinVar (database versions not stated): gnomAD 0.00001; ExAC 0.00002; gnomAD exomes 0.00002.
gnomAD v4.1: 13 of 1,613,124 alleles (0.00081%); highest among the groups gnomAD compares: Admixed American, 0.0083%; no homozygotes.

Submissions (2):

Labcorp Genetics (formerly Invitae), Labcorp
Classification: Uncertain significance for Hypertrophic cardiomyopathy. Last evaluated: 2023-03-18. Review status: criteria provided, single submitter. Criteria: Invitae Variant Classification Sherloc (09022015). Collection method: clinical testing. Allele origin: germline.
Comment: ClinVar contains an entry for this variant (Variation ID: 845652). In summary, the available evidence is currently insufficient to determine the role of this variant in disease. Therefore, it has been classified as a Variant of Uncertain Significance. Advanced modeling of protein sequence and biophysical properties (such as structural, functional, and spatial information, amino acid conservation, physicochemical variation, residue mobility, and thermodynamic stability) performed at Invitae indicates that this missense variant is not expected to disrupt MYOM1 protein function. This variant has not been reported in the literature in individuals affected with MYOM1-related conditions. This variant is present in population databases (rs765682686, gnomAD 0.01%). This sequence change replaces glycine, which is neutral and non-polar, with arginine, which is basic and polar, at codon 1645 of the MYOM1 protein (p.Gly1645Arg).

Ambry Genetics
Classification: Uncertain significance. Last evaluated: 2022-05-27. Review status: criteria provided, single submitter. Criteria: Ambry Variant Classification Scheme 2023. Collection method: clinical testing. Allele origin: germline.